The following is an entry in ClinVar:

ClinVar aggregate classification (germline): Conflicting classifications of pathogenicity. Review status: criteria provided, conflicting classifications (1 of 4 stars). 3 submissions from 3 submitters: Uncertain significance (1); Likely benign (2). Last evaluated 2025-11-01.

Conditions:
VCAN-related disorder. Also called: VCAN-related condition.
Inborn genetic diseases. Identifiers: MedGen C0950123, MeSH D030342.

gnomAD v4.1: 127 of 1,613,990 alleles (0.0079%); highest among the groups gnomAD compares: South Asian, 0.14%; 2 homozygotes.

Submissions (3):

PreventionGenetics, part of Exact Sciences
Classification: Likely benign for VCAN-related condition. Last evaluated: 2025-11-01. Review status: criteria provided, single submitter. Criteria: ACMG Guidelines, 2015. Collection method: clinical testing. Allele origin: germline.
Comment: This variant is classified as likely benign based on ACMG/AMP sequence variant interpretation guidelines (Richards et al. 2015 PMID: 25741868, with internal and published modifications).

Labcorp Genetics (formerly Invitae), Labcorp
Classification: Likely benign. Last evaluated: 2025-08-12. Review status: criteria provided, single submitter. Criteria: Invitae Variant Classification Sherloc (09022015). Collection method: clinical testing. Allele origin: germline.

Ambry Genetics
Classification: Uncertain significance for Inborn genetic diseases. Last evaluated: 2024-09-04. Review status: criteria provided, single submitter. Criteria: Ambry Variant Classification Scheme 2023. Collection method: clinical testing. Allele origin: germline.

NM_004385.5(VCAN):c.6088G>T (p.Val2030Leu)

Genes: VCAN (versican; plus strand), VCAN-AS1 (VCAN antisense RNA 1; minus strand). Cytogenetic location: 5q14.3.
Variant type: single nucleotide variant.
Coding change: c.6088G>T on transcript NM_004385.5 (MANE Select); coding-DNA position 6088, G replaced by T.
Protein change: p.Val2030Leu; replaces valine 2030 with leucine.
Molecular consequence: missense variant. On other transcripts: intron variant (2).
Genome position (GRCh38, 1-based): chr5:83,539,091, G>T. VCF-style: chr5-83539091-G-T. GRCh37 (hg19) VCF-style: chr5-82834910-G-T.
Other names: c.6088G>T (NM_004385.4); c.3127G>T, p.Val1043Leu (NM_001164097.2); c.4004-6446G>T (NM_001164098.2); c.1043-6446G>T (NM_001126336.3); short protein forms V1043L, V2030L.
Identifiers: ClinVar variation 1665026 (VCV001665026.10), dbSNP rs150331976, ClinGen allele CA3333429.